The following is an entry in ClinVar:

NM_006014.5(LAGE3):c.60C>A (p.Gly20=)

Genes: LAGE3 (L antigen family member 3; minus strand), LOC130068876 (ATAC-STARR-seq lymphoblastoid silent region 21109; plus strand). Cytogenetic location: Xq28.
Variant type: single nucleotide variant.
Coding change: c.60C>A on transcript NM_006014.5 (MANE Select); coding-DNA position 60, C replaced by A.
Protein change: p.Gly20=; no amino-acid change (glycine 20 retained).
Molecular consequence: synonymous variant.
Genome position (GRCh38, 1-based): chrX:154,478,856, G>T on the plus strand (C>A on the coding strand, the complement: LAGE3 is on the minus strand). VCF-style: chrX-154478856-G-T. GRCh37 (hg19) VCF-style: chrX-153707195-G-T.
Identifiers: ClinVar variation 3357145 (VCV003357145.1).

ClinVar aggregate classification (germline): Likely benign (0 of 4 stars; one submission).

Conditions:
LAGE3-related disorder. Also called: LAGE3-related condition.

gnomAD v4.1: 25 of 1,023,526 alleles (0.0024%); highest among the groups gnomAD compares: South Asian, 0.074%; no homozygotes.

Submission:

PreventionGenetics, part of Exact Sciences
Classification: Likely benign for LAGE3-related condition. Last evaluated: 2024-08-08. Review status: no assertion criteria provided. Collection method: clinical testing. Allele origin: germline.
Comment: This variant is classified as likely benign based on ACMG/AMP sequence variant interpretation guidelines (Richards et al. 2015 PMID: 25741868, with internal and published modifications).